The following is an entry in ClinVar:

ClinVar aggregate classification (germline): Conflicting classifications of pathogenicity. Review status: criteria provided, conflicting classifications (1 of 4 stars). 4 submissions from 4 submitters: Uncertain significance (1); Likely benign (3). Last evaluated 2026-06-28.

Conditions:
Inborn genetic diseases. Identifiers: MedGen C0950123, MeSH D030342.
ADAMTS18-related disorder. Also called: ADAMTS18-related condition.

Allele frequency attached by ClinVar (database versions not stated): ESP Exome Variant Server 0.00008; gnomAD 0.00009 and 0.00024; TOPMed 0.00009; gnomAD exomes 0.00067; ExAC 0.00082; 1000 Genomes Project 0.00100; 1000 Genomes Project 30x 0.00109.
gnomAD v4.1: 599 of 1,614,208 alleles (0.037%); highest among the groups gnomAD compares: South Asian, 0.54%; 8 homozygotes.

Submissions (4):

PreventionGenetics, part of Exact Sciences
Classification: Likely benign for ADAMTS18-related condition. Last evaluated: 2026-06-28. Review status: criteria provided, single submitter. Criteria: ACMG Guidelines, 2015. Collection method: clinical testing. Allele origin: germline.
Comment: This variant is classified as likely benign based on ACMG/AMP sequence variant interpretation guidelines (Richards et al. 2015 PMID: 25741868, with internal and published modifications).

Labcorp Genetics (formerly Invitae), Labcorp
Classification: Likely benign. Last evaluated: 2026-01-01. Review status: criteria provided, single submitter. Criteria: Invitae Variant Classification Sherloc (09022015). Collection method: clinical testing. Allele origin: germline.

Blueprint Genetics
Classification: Likely benign. Last evaluated: 2024-06-28. Review status: criteria provided, single submitter. Criteria: ACMG Guidelines, 2015. Collection method: clinical testing. Allele origin: germline.

Ambry Genetics
Classification: Uncertain significance for Inborn genetic diseases. Last evaluated: 2023-06-06. Review status: criteria provided, single submitter. Criteria: Ambry Variant Classification Scheme 2023. Collection method: clinical testing. Allele origin: germline.

NM_199355.4(ADAMTS18):c.1732G>A (p.Val578Ile)

Gene: ADAMTS18 (ADAM metallopeptidase with thrombospondin type 1 motif 18; minus strand). Cytogenetic location: 16q23.1.
Variant type: single nucleotide variant.
Coding change: c.1732G>A on transcript NM_199355.4 (MANE Select); coding-DNA position 1732, G replaced by A.
Protein change: p.Val578Ile; replaces valine 578 with isoleucine.
Molecular consequence: missense variant.
Genome position (GRCh38, 1-based): chr16:77,335,883, C>T on the plus strand (G>A on the coding strand, the complement: ADAMTS18 is on the minus strand). VCF-style: chr16-77335883-C-T. GRCh37 (hg19) VCF-style: chr16-77369780-C-T.
Other names: c.1732G>A (NM_199355.3, NM_199355.2); c.1216G>A, p.Val406Ile (NM_001326358.2); short protein forms V406I, V578I.
Identifiers: ClinVar variation 1133752 (VCV001133752.12), dbSNP rs143359890, ClinGen allele CA8181177.
Genomic context (GRCh38, chr16:77,335,883, plus strand): 5'-ACTTCGACCAGGCGGACCACTGGCCGTGGATGGGCCGGGGCCCGAGCTCCCCAAACTTTA[C>T]GCACTGGCCTTGCCGACACCACTGTGAAAAGAACGTGTAAGATGGTTCCCGTCAGAGACC-3'
Protein context (NP_955387.1, residues 568-588): LSMWCRQGQC[Val578Ile]KFGELGPRPI